The following is an entry in ClinVar:

ClinVar aggregate classification (germline): Uncertain significance. Review status: criteria provided, multiple submitters, no conflicts (2 of 4 stars). 2 submissions from 2 submitters: Uncertain significance (2). Last evaluated 2025-04-03.

Conditions:
Familial thoracic aortic aneurysm and aortic dissection (TAAD). Also called: Thoracic aortic aneurysms and dissections. Identifiers: Orphanet 91387, MedGen C4707243, MONDO:0019625.

Allele frequency attached by ClinVar (database versions not stated): gnomAD exomes below 0.00001 and 0.00001; ExAC 0.00001.
gnomAD v4.1: 3 of 1,614,016 alleles (0.00019%); highest among the groups gnomAD compares: South Asian, 0.0011%; no homozygotes.

Submissions (2):

Ambry Genetics
Classification: Uncertain significance for Familial thoracic aortic aneurysm and aortic dissection. Last evaluated: 2025-04-03. Review status: criteria provided, single submitter. Criteria: Ambry Variant Classification Scheme 2023. Collection method: clinical testing. Allele origin: germline.
Comment: The p.R1530H variant (also known as c.4589G>A), located in coding exon 37 of the FBN1 gene, results from a G to A substitution at nucleotide position 4589. The arginine at codon 1530 is replaced by histidine, an amino acid with highly similar properties. This variant was reported in individual(s) with features consistent with Marfan syndrome (Wilson BT et al. Am J Med Genet A, 2013 Aug;161A:2047-51). This amino acid position is highly conserved in available vertebrate species. In addition, this alteration is predicted to be deleterious by in silico analysis. Based on the available evidence, the clinical significance of this variant remains unclear.

Color Diagnostics, LLC DBA Color Health
Classification: Uncertain significance for Familial thoracic aortic aneurysm and aortic dissection. Last evaluated: 2019-06-19. Review status: criteria provided, single submitter. Criteria: ACMG Guidelines, 2015. Collection method: clinical testing. Allele origin: germline.
Comment: This missense variant replaces arginine with histidine at codon 1530 of the FBN1 protein. Computational prediction tools and conservation analyses suggest that this variant may have deleterious impact on the protein function. Computational splicing tools suggest that this variant may not impact RNA splicing. To our knowledge, functional assays have not been performed for this variant. This variant has been reported in heterozygosity in an individual affected with affected with juvenile idiopathic arthritis and mitral valve prolapse (PMID: 23794388). Five other heterozygous family members were apparently normal. This variant has also been identified in 2/250808 chromosomes in the general population by the Genome Aggregation Database (gnomAD). Available evidence is insufficient to determine the role of this variant in disease conclusively. Therefore, this variant is classified as a Variant of Uncertain Significance.

Literature cited by the submitters: PubMed 23794388 (cited by Ambry Genetics).

NM_000138.5(FBN1):c.4589G>A (p.Arg1530His)

Gene: FBN1 (fibrillin 1; minus strand). Cytogenetic location: 15q21.1.
Variant type: single nucleotide variant.
Coding change: c.4589G>A on transcript NM_000138.5 (MANE Select); coding-DNA position 4589, G replaced by A.
Protein change: p.Arg1530His; replaces arginine 1530 with histidine.
Molecular consequence: missense variant.
Genome position (GRCh38, 1-based): chr15:48,468,096, C>T on the plus strand (G>A on the coding strand, the complement: FBN1 is on the minus strand). VCF-style: chr15-48468096-C-T. GRCh37 (hg19) VCF-style: chr15-48760293-C-T.
Other names: short protein forms R1530H.
Identifiers: ClinVar variation 926280 (VCV000926280.4), dbSNP rs778710767, ClinGen allele CA053432.